The following is an entry in ClinVar:

ClinVar aggregate classification (germline): Uncertain significance (1 of 4 stars; one submission).

gnomAD v4.1: 1 of 1,613,530 alleles (0.000062%); highest among the groups gnomAD compares: South Asian, 0.0011%; no homozygotes.

Submission:

GeneDx
Classification: Uncertain significance. Last evaluated: 2026-08-11. Review status: criteria provided, single submitter. Criteria: GeneDx Variant Classification Process June 2021. Collection method: clinical testing. Allele origin: germline.
Comment: Has not been previously published as pathogenic or benign to our knowledge; Not observed at significant frequency in large population cohorts (gnomAD); In silico analysis supports that this missense variant has a deleterious effect on protein structure/function

NM_033109.5(PNPT1):c.521C>T (p.Ser174Phe)

Gene: PNPT1 (polyribonucleotide nucleotidyltransferase 1; minus strand). Cytogenetic location: 2p16.1.
Variant type: single nucleotide variant.
Coding change: c.521C>T on transcript NM_033109.5 (MANE Select); coding-DNA position 521, C replaced by T.
Protein change: p.Ser174Phe; replaces serine 174 with phenylalanine.
Molecular consequence: missense variant.
Genome position (GRCh38, 1-based): chr2:55,680,756, G>A on the plus strand (C>T on the coding strand, the complement: PNPT1 is on the minus strand). VCF-style: chr2-55680756-G-A. GRCh37 (hg19) VCF-style: chr2-55907891-G-A.
Other names: short protein forms S174F.
Identifiers: ClinVar variation 450682 (VCV000450682.3), dbSNP rs1553501171, ClinGen allele CA346938822.
Genomic context (GRCh38, chr2:55,680,756, plus strand): 5'-TTAAATCCTAACTTACCAACAGGTCCATTCCAAGGAATATCTGATAATGAGAGGGCTACG[G>A]AAGCTTAAAAAAGGAGAAAAATCAGGGCCGAAATTAAAATTTCATTGCTTTAAAAAAATT-3'
Protein context (NP_149100.2, residues 164-184): EPDVLAINGA[Ser174Phe]VALSLSDIPW